The following is an entry in ClinVar:

ClinVar aggregate classification (germline): Uncertain significance (1 of 4 stars; one submission).

Allele frequency attached by ClinVar (database versions not stated): 1000 Genomes Project 30x 0.00047; 1000 Genomes Project 0.00040.

Submission:

Labcorp Genetics (formerly Invitae), Labcorp
Classification: Uncertain significance. Last evaluated: 2024-05-08. Review status: criteria provided, single submitter. Criteria: Invitae Variant Classification Sherloc (09022015). Collection method: clinical testing. Allele origin: germline.
Comment: This sequence change replaces serine, which is neutral and polar, with cysteine, which is neutral and slightly polar, at codon 3 of the MOCS3 protein (p.Ser3Cys). This variant is present in population databases (rs187280062, gnomAD 0.009%). This variant has not been reported in the literature in individuals affected with MOCS3-related conditions. ClinVar contains an entry for this variant (Variation ID: 2076146). Experimental studies and prediction algorithms are not available or were not evaluated, and the functional significance of this variant is currently unknown. In summary, the available evidence is currently insufficient to determine the role of this variant in disease. Therefore, it has been classified as a Variant of Uncertain Significance.

NM_014484.5(MOCS3):c.8C>G (p.Ser3Cys)

Gene: MOCS3 (molybdenum cofactor synthesis 3; plus strand). Cytogenetic location: 20q13.13.
Variant type: single nucleotide variant.
Coding change: c.8C>G on transcript NM_014484.5 (MANE Select); coding-DNA position 8, C replaced by G.
Protein change: p.Ser3Cys; replaces serine 3 with cysteine.
Molecular consequence: missense variant.
Genome position (GRCh38, 1-based): chr20:50,958,850, C>G. VCF-style: chr20-50958850-C-G. GRCh37 (hg19) VCF-style: chr20-49575387-C-G.
Other names: short protein forms S3C.
Identifiers: ClinVar variation 2076146 (VCV002076146.4), dbSNP rs187280062, ClinGen allele CA9909324.